The following is an entry in ClinVar:

NM_002180.3(IGHMBP2):c.1354del (p.Ala452fs)

Gene: IGHMBP2 (immunoglobulin mu DNA binding protein 2; plus strand). Cytogenetic location: 11q13.3.
Variant type: Deletion.
Coding change: c.1354del on transcript NM_002180.3 (MANE Select); coding-DNA position 1354, one base deleted (G; older notation c.1354delG).
Protein change: p.Ala452fs; shifts the reading frame from alanine 452.
Molecular consequence: frameshift variant.
Genome position (GRCh38, 1-based): chr11:68,933,417, G deleted; the last of 3 consecutive G bases (chr11:68,933,415-68,933,417); deleting any one gives the same sequence. VCF-style (leftmost placement, unchanged base first): chr11-68933414-TG-T. GRCh37 (hg19) VCF-style: chr11-68700882-TG-T.
Other names: short protein forms A452fs.
Identifiers: ClinVar variation 2927635 (VCV002927635.3), dbSNP rs1285416231, ClinGen allele CA679633789.
Genomic context (GRCh38, chr11:68,933,414, plus strand): 5'-GGCGCGAGGGTGGTGCGGACACTGACGGTGCAGTACCGCATGCACCAGGCTATCATGCGC[TG>T]GGCCTCAGACACCATGTACCTTGGGCAGCTCACAGCCCACTCTTCCGTGGCAAGGCACCT-3'

ClinVar aggregate classification (germline): Pathogenic (1 of 4 stars; one submission).

Conditions:
Autosomal recessive distal spinal muscular atrophy 1. Also called: HMN VI; NEURONOPATHY, SEVERE INFANTILE AXONAL, WITH RESPIRATORY FAILURE; SEVERE INFANTILE AXONAL NEUROPATHY WITH RESPIRATORY FAILURE; SPINAL MUSCULAR ATROPHY, DIAPHRAGMATIC; Spinal muscular atrophy with respiratory distress 1; NEURONOPATHY, DISTAL HEREDITARY MOTOR, HARDING TYPE VI. Identifiers: Orphanet 98920, MedGen C1858517, MONDO:0011436, OMIM 604320.
Charcot-Marie-Tooth disease axonal type 2S. Also called: CHARCOT-MARIE-TOOTH NEUROPATHY, TYPE 2S; CHARCOT-MARIE-TOOTH DISEASE, AXONAL, AUTOSOMAL RECESSIVE, TYPE 2S. Identifiers: Orphanet 443073, MedGen C4015349, MONDO:0014511, OMIM 616155.

Submission:

Labcorp Genetics (formerly Invitae), Labcorp
Classification: Pathogenic for Autosomal recessive distal spinal muscular atrophy 1; Charcot-Marie-Tooth disease axonal type 2S. Last evaluated: 2022-12-07. Review status: criteria provided, single submitter. Criteria: Invitae Variant Classification Sherloc (09022015). Collection method: clinical testing. Allele origin: germline.
Comment: For these reasons, this variant has been classified as Pathogenic. This variant has not been reported in the literature in individuals affected with IGHMBP2-related conditions. This variant is not present in population databases (gnomAD no frequency). This sequence change creates a premature translational stop signal (p.Ala452Profs*21) in the IGHMBP2 gene. It is expected to result in an absent or disrupted protein product. Loss-of-function variants in IGHMBP2 are known to be pathogenic (PMID: 14681881, 25439726, 25568292).

Literature cited by the submitters: PubMed 14681881; PubMed 25439726; PubMed 25568292.